The following is an entry in ClinVar:

NM_001312673.2(PCYT1A):c.944G>A (p.Ser315Asn)

Gene: PCYT1A (phosphate cytidylyltransferase 1A, choline; minus strand). Cytogenetic location: 3q29.
Variant type: single nucleotide variant.
Coding change: c.944G>A on transcript NM_001312673.2 (MANE Select); coding-DNA position 944, G replaced by A.
Protein change: p.Ser315Asn; replaces serine 315 with asparagine.
Molecular consequence: missense variant.
Genome position (GRCh38, 1-based): chr3:196,238,848, C>T on the plus strand (G>A on the coding strand, the complement: PCYT1A is on the minus strand). VCF-style: chr3-196238848-C-T. GRCh37 (hg19) VCF-style: chr3-195965719-C-T.
Other names: c.944G>A, p.Ser315Asn (NM_005017.4); short protein forms S315N.
Identifiers: ClinVar variation 1373661 (VCV001373661.6), dbSNP rs1305786964, ClinGen allele CA355608003.

ClinVar aggregate classification (germline): Uncertain significance (1 of 4 stars; one submission).

Allele frequency attached by ClinVar (database versions not stated): gnomAD 0.00001; TOPMed 0.00002.
gnomAD v4.1: 2 of 1,534,684 alleles (0.00013%); highest among the groups gnomAD compares: African/African-American, 0.0014%; no homozygotes.

Submission:

Labcorp Genetics (formerly Invitae), Labcorp
Classification: Uncertain significance. Last evaluated: 2023-04-05. Review status: criteria provided, single submitter. Criteria: Invitae Variant Classification Sherloc (09022015). Collection method: clinical testing. Allele origin: germline.
Comment: This variant is present in population databases (no rsID available, gnomAD 0.01%). This sequence change replaces serine, which is neutral and polar, with asparagine, which is neutral and polar, at codon 315 of the PCYT1A protein (p.Ser315Asn). ClinVar contains an entry for this variant (Variation ID: 1373661). Advanced modeling of protein sequence and biophysical properties (such as structural, functional, and spatial information, amino acid conservation, physicochemical variation, residue mobility, and thermodynamic stability) has been performed at Invitae for this missense variant, however the output from this modeling did not meet the statistical confidence thresholds required to predict the impact of this variant on PCYT1A protein function. In summary, the available evidence is currently insufficient to determine the role of this variant in disease. Therefore, it has been classified as a Variant of Uncertain Significance. This variant has not been reported in the literature in individuals affected with PCYT1A-related conditions.